The following is an entry in ClinVar:

NM_001365951.3(KIF1B):c.1093A>G (p.Asn365Asp)

Gene: KIF1B (kinesin family member 1B; plus strand). Cytogenetic location: 1p36.22.
Variant type: single nucleotide variant.
Coding change: c.1093A>G on transcript NM_001365951.3 (MANE Select); coding-DNA position 1093, A replaced by G.
Protein change: p.Asn365Asp; replaces asparagine 365 with aspartic acid.
Molecular consequence: missense variant.
Genome position (GRCh38, 1-based): chr1:10,278,041, A>G. VCF-style: chr1-10278041-A-G. GRCh37 (hg19) VCF-style: chr1-10338099-A-G.
Other names: c.1093A>G, p.Asn365Asp (NM_001365952.1); c.1075A>G, p.Asn359Asp (NM_001365953.1, NM_015074.3, NM_183416.4); short protein forms N359D, N365D.
Identifiers: ClinVar variation 3864102 (VCV003864102.1).

ClinVar aggregate classification (germline): Uncertain significance (1 of 4 stars; one submission).

Submission:

Ambry Genetics
Classification: Uncertain significance. Last evaluated: 2025-02-21. Review status: criteria provided, single submitter. Criteria: Ambry Variant Classification Scheme 2023. Collection method: clinical testing. Allele origin: germline.
Comment: The p.N359D variant (also known as c.1075A>G), located in coding exon 11 of the KIF1B gene, results from an A to G substitution at nucleotide position 1075. The asparagine at codon 359 is replaced by aspartic acid, an amino acid with highly similar properties. This amino acid position is conserved. In addition, the in silico prediction for this alteration is inconclusive. Based on the available evidence, the clinical significance of this variant remains unclear.